The following is an entry in ClinVar:

ClinVar aggregate classification (germline): Benign. Review status: criteria provided, multiple submitters, no conflicts (2 of 4 stars). 4 submissions from 4 submitters: Benign (4). Last evaluated 2026-02-04.

Conditions:
Encephalopathy, acute, infection-induced (herpes-specific), susceptibility to, 1. Also called: Herpes simplex encephalitis, susceptibility to, 1. Identifiers: Orphanet 1930, MedGen C2750180, MONDO:0024563, OMIM 610551.

Allele frequency attached by ClinVar (database versions not stated): 1000 Genomes Project 0.13818; 1000 Genomes Project 30x 0.14163; ESP Exome Variant Server 0.09961; ExAC 0.16945.
gnomAD v4.1: 260,292 of 1,545,990 alleles (17%); highest among the groups gnomAD compares: South Asian, 18%; 22,679 homozygotes.

Submissions (4):

Labcorp Genetics (formerly Invitae), Labcorp
Classification: Benign for Encephalopathy, acute, infection-induced (herpes-specific), susceptibility to, 1. Last evaluated: 2026-02-04. Review status: criteria provided, single submitter. Criteria: Invitae Variant Classification Sherloc (09022015). Collection method: clinical testing. Allele origin: germline.

Unidad de Genómica Garrahan, Hospital de Pediatría Garrahan
Classification: Benign. Last evaluated: 2024-01-24. Review status: criteria provided, single submitter. Criteria: ACMG Guidelines, 2015. Collection method: clinical testing. Allele origin: germline. Affected: no. Observed: 31 variant alleles.
Comment: This variant is classified as Benign based on local population frequency. This variant was detected in 33% of patients studied by a panel of primary immunodeficiencies. Number of patients: 31. Only high quality variants are reported.

GeneDx
Classification: Benign. Last evaluated: 2021-05-06. Review status: criteria provided, single submitter. Criteria: GeneDx Variant Classification Process June 2021. Collection method: clinical testing. Allele origin: germline. Affected: yes.

Breakthrough Genomics
Classification: Benign. Review status: criteria provided, single submitter. Criteria: ACMG Guidelines, 2015. Collection method: not provided. Allele origin: germline. Inheritance: Unknown mechanism. Affected: yes.

NM_030930.4(UNC93B1):c.1221C>T (p.Ala407=)

Gene: UNC93B1 (unc-93B1 regulator of TLR signaling; minus strand). Cytogenetic location: 11q13.2.
Variant type: single nucleotide variant.
Coding change: c.1221C>T on transcript NM_030930.4 (MANE Select); coding-DNA position 1221, C replaced by T.
Protein change: p.Ala407=; no amino-acid change (alanine 407 retained).
Molecular consequence: synonymous variant.
Genome position (GRCh38, 1-based): chr11:67,995,753, G>A on the plus strand (C>T on the coding strand, the complement: UNC93B1 is on the minus strand). VCF-style: chr11-67995753-G-A. GRCh37 (hg19) VCF-style: chr11-67763224-G-A.
Identifiers: ClinVar variation 1167654 (VCV001167654.13), dbSNP rs12660, ClinGen allele CA6145426.